The following is an entry in ClinVar:

ClinVar aggregate classification (germline): Conflicting classifications of pathogenicity. Review status: criteria provided, conflicting classifications (1 of 4 stars). 5 submissions from 5 submitters: Uncertain significance (2); Likely benign (3). Last evaluated 2025-12-20.

Conditions:
Distal myopathy with posterior leg and anterior hand involvement. Also called: WILLIAMS DISTAL MYOPATHY. Identifiers: Orphanet 63273, MedGen C3279722, MONDO:0013550, OMIM 614065.
Myofibrillar myopathy 5. Also called: Filaminopathy (type); FILAMINOPATHY, AUTOSOMAL DOMINANT. Identifiers: Orphanet 171445, MedGen C1836050, MONDO:0012289, OMIM 609524.
Hypertrophic cardiomyopathy 26. Also called: Cardiomyopathy, familial hypertrophic, 26. Identifiers: Orphanet 75249, MedGen C4310749, MONDO:0014883, OMIM 617047.
Cardiovascular phenotype. Identifiers: MedGen CN230736.

Allele frequency attached by ClinVar (database versions not stated): gnomAD 0.00016.
gnomAD v4.1: 31 of 1,613,682 alleles (0.0019%); highest among the groups gnomAD compares: African/African-American, 0.04%; no homozygotes.

Submissions (5):

Labcorp Genetics (formerly Invitae), Labcorp
Classification: Likely benign for Distal myopathy with posterior leg and anterior hand involvement; Myofibrillar myopathy 5; Hypertrophic cardiomyopathy 26. Last evaluated: 2025-12-20. Review status: criteria provided, single submitter. Criteria: Invitae Variant Classification Sherloc (09022015). Collection method: clinical testing. Allele origin: germline.

Ambry Genetics
Classification: Likely benign for Cardiovascular phenotype. Last evaluated: 2024-02-22. Review status: criteria provided, single submitter. Criteria: Ambry Variant Classification Scheme 2023. Collection method: clinical testing. Allele origin: germline.

Mayo Clinic Laboratories, Mayo Clinic
Classification: Uncertain significance. Last evaluated: 2023-01-12. Review status: criteria provided, single submitter. Criteria: ACMG Guidelines, 2015. Collection method: clinical testing. Allele origin: germline. Observed: 1 variant allele.
Comment: BS2

Revvity Omics, Revvity
Classification: Uncertain significance. Last evaluated: 2022-12-08. Review status: criteria provided, single submitter. Criteria: ACMG Guidelines, 2015. Collection method: clinical testing. Allele origin: germline.

GeneDx
Classification: Likely benign. Last evaluated: 2021-03-17. Review status: criteria provided, single submitter. Criteria: GeneDx Variant Classification Process June 2021. Collection method: clinical testing. Allele origin: germline. Affected: yes.

NM_001458.5(FLNC):c.2163C>A (p.Asn721Lys)

Gene: FLNC (filamin C; plus strand). Cytogenetic location: 7q32.1.
Variant type: single nucleotide variant.
Coding change: c.2163C>A on transcript NM_001458.5 (MANE Select); coding-DNA position 2163, C replaced by A.
Protein change: p.Asn721Lys; replaces asparagine 721 with lysine.
Molecular consequence: missense variant.
Genome position (GRCh38, 1-based): chr7:128,842,272, C>A. VCF-style: chr7-128842272-C-A. GRCh37 (hg19) VCF-style: chr7-128482326-C-A.
Other names: p.Asn721Lys; c.2163C>A, p.Asn721Lys (NM_001127487.2); short protein forms N721K.
Identifiers: ClinVar variation 583027 (VCV000583027.16), dbSNP rs370539335, ClinGen allele CA4474623.